The following is an entry in ClinVar:

NM_000161.3(GCH1):c.195G>A (p.Glu65=)

Gene: GCH1 (GTP cyclohydrolase 1; minus strand). Cytogenetic location: 14q22.2.
Variant type: single nucleotide variant.
Coding change: c.195G>A on transcript NM_000161.3 (MANE Select); coding-DNA position 195, G replaced by A.
Protein change: p.Glu65=; no amino-acid change (glutamic acid 65 retained).
Molecular consequence: synonymous variant.
Genome position (GRCh38, 1-based): chr14:54,902,469, C>T on the plus strand (G>A on the coding strand, the complement: GCH1 is on the minus strand). VCF-style: chr14-54902469-C-T. GRCh37 (hg19) VCF-style: chr14-55369187-C-T.
Other names: c.195G>A, p.Glu65= (NM_001024024.2, NM_001024070.2, NM_001024071.2).
Identifiers: ClinVar variation 623842 (VCV000623842.57), dbSNP rs139350456, ClinGen allele CA7193665.

ClinVar aggregate classification (germline): Conflicting classifications of pathogenicity. Review status: criteria provided, conflicting classifications (1 of 4 stars). 6 submissions from 5 submitters: Uncertain significance (3); Likely benign (3). Last evaluated 2026-01-26.

Conditions:
Dystonia 5 (DRD). Also called: GTP Cyclohydrolase 1-Deficient Dopa-Responsive Dystonia; DYT-GCH1; Dystonia, DOPA-responsive, with or without hyperphenylalaninemia; DYSTONIA, PROGRESSIVE, WITH DIURNAL VARIATION; DYSTONIA-PARKINSONISM WITH DIURNAL FLUCTUATION. Identifiers: Orphanet 98808, MedGen C1851920, MONDO:0007495, OMIM 128230.
GTP cyclohydrolase I deficiency. Identifiers: MedGen C0268467, MONDO:0100184.

Allele frequency attached by ClinVar (database versions not stated): ExAC 0.00002; gnomAD 0.00002; gnomAD exomes 0.00002; TOPMed 0.00003; ESP Exome Variant Server 0.00008.
gnomAD v4.1: 29 of 1,612,206 alleles (0.0018%); highest among the groups gnomAD compares: Non-Finnish European, 0.0024%; no homozygotes.

Submissions (6):

Labcorp Genetics (formerly Invitae), Labcorp
Classification: Likely benign for GTP cyclohydrolase I deficiency; Dystonia 5. Last evaluated: 2026-01-26. Review status: criteria provided, single submitter. Criteria: Invitae Variant Classification Sherloc (09022015). Collection method: clinical testing. Allele origin: germline.

GeneDx
Classification: Uncertain significance. Last evaluated: 2023-10-31. Review status: criteria provided, single submitter. Criteria: GeneDx Variant Classification Process June 2021. Collection method: clinical testing. Allele origin: germline. Affected: yes.
Comment: Not observed at significant frequency in large population cohorts (gnomAD); In silico analysis supports that this variant does not alter splicing; Has not been previously published as pathogenic or benign to our knowledge

Blueprint Genetics
Classification: Likely benign. Last evaluated: 2020-10-28. Review status: criteria provided, single submitter. Criteria: ACMG Guidelines, 2015. Collection method: clinical testing. Allele origin: germline.

CeGaT Center for Human Genetics Tuebingen
Classification: Uncertain significance. Last evaluated: 2018-05-01. Review status: criteria provided, single submitter. Criteria: CeGaT Center For Human Genetics Tuebingen Variant Classification Criteria Version 2. Collection method: clinical testing. Allele origin: germline. Affected: yes. Observed: 1 variant allele.

Illumina Laboratory Services, Illumina
Classification: Uncertain significance for GTP cyclohydrolase I deficiency with hyperphenylalaninemia. Last evaluated: 2018-01-13. Review status: criteria provided, single submitter. Criteria: ICSL Variant Classification Criteria 13 December 2019. Collection method: clinical testing. Allele origin: germline.

Illumina Laboratory Services, Illumina
Classification: Likely benign for Dystonia 5. Last evaluated: 2018-01-13. Review status: criteria provided, single submitter. Criteria: ICSL Variant Classification Criteria 13 December 2019. Collection method: clinical testing. Allele origin: germline.
Comment: This variant was observed in the ICSL laboratory as part of a predisposition screen in an ostensibly healthy population. It had not been previously curated by ICSL or reported in the Human Gene Mutation Database (HGMD: prior to June 1st, 2018), and was therefore a candidate for classification through an automated scoring system. Utilizing variant allele frequency, disease prevalence and penetrance estimates, and inheritance mode, an automated score was calculated to assess if this variant is too frequent to cause the disease. Based on the score and internal cut-off values, a variant classified as likely benign is not then subjected to further curation. The score for this variant resulted in a classification of likely benign for this disease.